The following is an entry in ClinVar:

NM_001905.4(CTPS1):c.1590G>C (p.Leu530=)

Gene: CTPS1 (CTP synthase 1; plus strand). Cytogenetic location: 1p34.2.
Variant type: single nucleotide variant.
Coding change: c.1590G>C on transcript NM_001905.4 (MANE Select); coding-DNA position 1590, G replaced by C.
Protein change: p.Leu530=; no amino-acid change (leucine 530 retained).
Molecular consequence: synonymous variant. On other transcripts: non-coding transcript variant (1).
Genome position (GRCh38, 1-based): chr1:41,009,488, G>C. VCF-style: chr1-41009488-G-C. GRCh37 (hg19) VCF-style: chr1-41475160-G-C.
Other names: c.1122G>C, p.Leu374= (NM_001301237.2).
Identifiers: ClinVar variation 718840 (VCV000718840.15), dbSNP rs140798858, ClinGen allele CA795577.

ClinVar aggregate classification (germline): Benign/Likely benign. Review status: criteria provided, multiple submitters, no conflicts (2 of 4 stars). 3 submissions from 3 submitters: Benign (1); Likely benign (1). 1 of the submissions does not count toward it. Last evaluated 2026-01-11.

Conditions:
CTPS1-related disorder. Also called: CTPS1-related condition.
Combined immunodeficiency due to CTPS1 deficiency. Also called: Immunodeficiency 24; Severe combined immunodeficiency due to CTPS1 deficiency. Identifiers: Orphanet 420573, MedGen C4014617, MONDO:0014391, OMIM 615897.

Allele frequency attached by ClinVar (database versions not stated): 1000 Genomes Project 30x 0.00031; gnomAD exomes 0.00033; ExAC 0.00039; 1000 Genomes Project 0.00040; gnomAD 0.00128 and 0.00144; ESP Exome Variant Server 0.00131; TOPMed 0.00153.
gnomAD v4.1: 376 of 1,612,662 alleles (0.023%); highest among the groups gnomAD compares: African/African-American, 0.43%; no homozygotes.

Submissions (4):

Labcorp Genetics (formerly Invitae), Labcorp
Classification: Benign for Combined immunodeficiency due to CTPS1 deficiency. Last evaluated: 2026-01-11. Review status: criteria provided, single submitter. Criteria: Invitae Variant Classification Sherloc (09022015). Collection method: clinical testing. Allele origin: germline.

Blueprint Genetics
Classification: Likely benign. Last evaluated: 2024-03-09. Review status: criteria provided, single submitter. Criteria: ACMG Guidelines, 2015. Collection method: clinical testing. Allele origin: germline.

PreventionGenetics, part of Exact Sciences
Classification: Likely benign for CTPS1-related condition. Last evaluated: 2019-06-05. Review status: no assertion criteria provided. Collection method: clinical testing. Allele origin: germline. Not counted in ClinVar's aggregate classification.
Comment: This variant is classified as likely benign based on ACMG/AMP sequence variant interpretation guidelines (Richards et al. 2015 PMID: 25741868, with internal and published modifications).

Dr. Peter K. Rogan Lab, Western University
No classification provided (evidence only). Condition: Cervical cancer. Review status: no classification provided. Collection method: in vitro. Allele origin: not applicable. Functional consequence: retained intron. Not counted in ClinVar's aggregate classification.